The following is an entry in ClinVar:

ClinVar aggregate classification (germline): Uncertain significance (1 of 4 stars; one submission).

Submission:

GeneDx
Classification: Uncertain significance. Last evaluated: 2024-03-26. Review status: criteria provided, single submitter. Criteria: GeneDx Variant Classification Process June 2021. Collection method: clinical testing. Allele origin: germline. Affected: yes.
Comment: Not observed at significant frequency in large population cohorts (gnomAD); In silico analysis supports that this missense variant has a deleterious effect on protein structure/function; Has not been previously published as pathogenic or benign to our knowledge; This variant is associated with the following publications: (PMID: 22982744)

NM_001365902.3(NFIX):c.94A>G (p.Asn32Asp)

Gene: NFIX (nuclear factor I X; plus strand). Cytogenetic location: 19p13.13.
Variant type: single nucleotide variant.
Coding change: c.94A>G on transcript NM_001365902.3 (MANE Select); coding-DNA position 94, A replaced by G.
Protein change: p.Asn32Asp; replaces asparagine 32 with aspartic acid.
Molecular consequence: missense variant. On other transcripts: 5 prime UTR variant (1).
Genome position (GRCh38, 1-based): chr19:13,025,087, A>G. VCF-style: chr19-13025087-A-G. GRCh37 (hg19) VCF-style: chr19-13135901-A-G.
Other names: c.118A>G, p.Asn40Asp (NM_001271043.2); c.70A>G, p.Asn24Asp (NM_001271044.3, NM_001378404.1); c.94A>G, p.Asn32Asp (NM_001365982.2, NM_002501.4); c.-48A>G (NM_001365983.2); c.91A>G, p.Asn31Asp (NM_001365984.2, NM_001365985.2); c.142A>G, p.Asn48Asp (NM_001378405.1); short protein forms N24D, N31D, N32D, N40D, N48D.
Identifiers: ClinVar variation 3371465 (VCV003371465.1).